The following is an entry in ClinVar:

NM_005591.4(MRE11):c.1661T>C (p.Met554Thr)

Gene: MRE11 (MRE11 double strand break repair nuclease; minus strand). Cytogenetic location: 11q21.
Variant type: single nucleotide variant.
Coding change: c.1661T>C on transcript NM_005591.4 (MANE Select); coding-DNA position 1661, T replaced by C.
Protein change: p.Met554Thr; replaces methionine 554 with threonine.
Molecular consequence: missense variant.
Genome position (GRCh38, 1-based): chr11:94,447,341, A>G on the plus strand (T>C on the coding strand, the complement: MRE11 is on the minus strand). VCF-style: chr11-94447341-A-G. GRCh37 (hg19) VCF-style: chr11-94180507-A-G.
Other names: c.1661T>C, p.Met554Thr (NM_001330347.2, NM_005590.4); short protein forms M554T.
Identifiers: ClinVar variation 3874316 (VCV003874316.1).
Genomic context (GRCh38, chr11:94,447,341, plus strand): 5'-CTTCCTCGGCCTCTTCCTTTGTTGGTTGCTGCTGAGATGCTATCATCAGAGTCATTAGCC[A>G]TCTGTTCTGCTAAATCTATACTCATAAGGTCATCAGCACTAAAGGCAGAAGCAGACTCCT-3'
Protein context (NP_005582.1, residues 544-564): DLMSIDLAEQ[Met554Thr]ANDSDDSISA

ClinVar aggregate classification (germline): Uncertain significance (1 of 4 stars; one submission).

Conditions:
Hereditary cancer-predisposing syndrome. Also called: Tumor predisposition; Neoplastic Syndromes, Hereditary; Hereditary Cancer Syndrome; Hereditary neoplastic syndrome. Identifiers: Orphanet 140162, MedGen C0027672, MeSH D009386, MONDO:0015356.

Submission:

Ambry Genetics
Classification: Uncertain significance for Hereditary cancer-predisposing syndrome. Last evaluated: 2024-12-29. Review status: criteria provided, single submitter. Criteria: Ambry Variant Classification Scheme 2023. Collection method: clinical testing. Allele origin: germline.
Comment: The p.M554T variant (also known as c.1661T>C), located in coding exon 14 of the MRE11A gene, results from a T to C substitution at nucleotide position 1661. The methionine at codon 554 is replaced by threonine, an amino acid with similar properties. This amino acid position is conserved. In addition, this alteration is predicted to be tolerated by in silico analysis. Based on the available evidence, the clinical significance of this variant remains unclear.